The following is an entry in ClinVar:

NM_000179.3(MSH6):c.1183A>G (p.Thr395Ala)

Gene: MSH6 (mutS homolog 6; plus strand). Cytogenetic location: 2p16.3.
Variant type: single nucleotide variant.
Coding change: c.1183A>G on transcript NM_000179.3 (MANE Select); coding-DNA position 1183, A replaced by G.
Protein change: p.Thr395Ala; replaces threonine 395 with alanine.
Molecular consequence: missense variant.
Genome position (GRCh38, 1-based): chr2:47,799,166, A>G. VCF-style: chr2-47799166-A-G. GRCh37 (hg19) VCF-style: chr2-48026305-A-G.
Other names: c.793A>G, p.Thr265Ala (NM_001281492.2); c.277A>G, p.Thr93Ala (NM_001281493.2, NM_001281494.2); short protein forms T395A, T265A, T93A.
Identifiers: ClinVar variation 489959 (VCV000489959.18), dbSNP rs1553412594, ClinGen allele CA346742386.
Genomic context (GRCh38, chr2:47,799,166, plus strand): 5'-GAGGAAAAGAGAAGAGATGAGCACAGGAGGAGGCCTGATCACCCCGATTTTGATGCATCT[A>G]CACTCTATGTGCCTGAGGATTTCCTCAATTCTTGTACTCCTGGGATGAGGAAGTGGTGGC-3'
Protein context (NP_000170.1, residues 385-405): RPDHPDFDAS[Thr395Ala]LYVPEDFLNS

ClinVar aggregate classification (germline): Uncertain significance. Review status: criteria provided, multiple submitters, no conflicts (2 of 4 stars). 3 submissions from 3 submitters: Uncertain significance (3). Last evaluated 2025-09-24.

Conditions:
Hereditary cancer-predisposing syndrome. Also called: Hereditary Cancer Syndrome; Neoplastic Syndromes, Hereditary; Tumor predisposition; Hereditary neoplastic syndrome. Identifiers: Orphanet 140162, MedGen C0027672, MeSH D009386, MONDO:0015356.
Hereditary nonpolyposis colorectal neoplasms. Identifiers: MedGen C0009405, MeSH D003123.

Allele frequency attached by ClinVar (database versions not stated): gnomAD exomes below 0.00001.

Submissions (3):

Ambry Genetics
Classification: Uncertain significance for Hereditary cancer-predisposing syndrome. Last evaluated: 2025-09-24. Review status: criteria provided, single submitter. Criteria: Ambry Variant Classification Scheme 2023. Collection method: clinical testing. Allele origin: germline.
Comment: The p.T395A variant (also known as c.1183A>G), located in coding exon 4 of the MSH6 gene, results from an A to G substitution at nucleotide position 1183. The threonine at codon 395 is replaced by alanine, an amino acid with similar properties. This amino acid position is highly conserved in available vertebrate species. In addition, the in silico prediction for this alteration is inconclusive. Based on the available evidence, the clinical significance of this variant remains unclear.

Labcorp Genetics (formerly Invitae), Labcorp
Classification: Uncertain significance for Hereditary nonpolyposis colorectal neoplasms. Last evaluated: 2024-10-10. Review status: criteria provided, single submitter. Criteria: Invitae Variant Classification Sherloc (09022015). Collection method: clinical testing. Allele origin: germline.
Comment: This sequence change replaces threonine, which is neutral and polar, with alanine, which is neutral and non-polar, at codon 395 of the MSH6 protein (p.Thr395Ala). This variant is not present in population databases (gnomAD no frequency). This variant has not been reported in the literature in individuals affected with MSH6-related conditions. ClinVar contains an entry for this variant (Variation ID: 489959). Invitae Evidence Modeling of protein sequence and biophysical properties (such as structural, functional, and spatial information, amino acid conservation, physicochemical variation, residue mobility, and thermodynamic stability) has been performed for this missense variant. However, the output from this modeling did not meet the statistical confidence thresholds required to predict the impact of this variant on MSH6 protein function. In summary, the available evidence is currently insufficient to determine the role of this variant in disease. Therefore, it has been classified as a Variant of Uncertain Significance.

Color Diagnostics, LLC DBA Color Health
Classification: Uncertain significance for Hereditary cancer-predisposing syndrome. Last evaluated: 2023-12-05. Review status: criteria provided, single submitter. Criteria: ACMG Guidelines, 2015. Collection method: clinical testing. Allele origin: germline.
Comment: This missense variant replaces threonine with alanine at codon 395 of the MSH6 protein. Computational prediction suggests that this variant may have deleterious impact on protein structure and function (internally defined REVEL score threshold >= 0.7, PMID: 27666373). To our knowledge, functional studies have not been reported for this variant. This variant has not been reported in individuals affected with MSH6-related disorders in the literature. This variant has not been identified in the general population by the Genome Aggregation Database (gnomAD). The available evidence is insufficient to determine the role of this variant in disease conclusively. Therefore, this variant is classified as a Variant of Uncertain Significance.